The following is an entry in ClinVar:

NM_001378183.1(PIEZO2):c.6775A>G (p.Met2259Val)

Gene: PIEZO2 (piezo type mechanosensitive ion channel component 2; minus strand). Cytogenetic location: 18p11.22.
Variant type: single nucleotide variant.
Coding change: c.6775A>G on transcript NM_001378183.1 (MANE Select); coding-DNA position 6775, A replaced by G.
Protein change: p.Met2259Val; replaces methionine 2259 with valine.
Molecular consequence: missense variant.
Genome position (GRCh38, 1-based): chr18:10,697,800, T>C on the plus strand (A>G on the coding strand, the complement: PIEZO2 is on the minus strand). VCF-style: chr18-10697800-T-C. GRCh37 (hg19) VCF-style: chr18-10697798-T-C.
Other names: c.6511A>G, p.Met2171Val (NM_001410871.1); c.6436A>G, p.Met2146Val (NM_022068.4); short protein forms M2146V, M2171V, M2259V.
Identifiers: ClinVar variation 3063751 (VCV003063751.1), dbSNP rs2510277364, ClinGen allele CA401908149.

ClinVar aggregate classification (germline): Uncertain significance (1 of 4 stars; one submission).

Allele frequency attached by ClinVar (database versions not stated): gnomAD exomes 0.00001.
gnomAD v4.1: 4 of 1,614,230 alleles (0.00025%); highest among the groups gnomAD compares: Non-Finnish European, 0.00034%; no homozygotes.

Submission:

Women's Health and Genetics/Laboratory Corporation of America, LabCorp
Classification: Uncertain significance. Last evaluated: 2024-01-03. Review status: criteria provided, single submitter. Criteria: LabCorp Variant Classification Summary - May 2015. Collection method: clinical testing. Allele origin: germline.
Comment: Variant summary: FAM38B (also known as PIEZO2) c.6436A>G (p.Met2146Val) results in a conservative amino acid change in the encoded protein sequence. Four of four in-silico tools predict a benign effect of the variant on protein function. The variant was absent in 251340 control chromosomes (gnomAD). The available data on variant occurrences in the general population are insufficient to allow any conclusion about variant significance. To our knowledge, no occurrence of c.6436A>G in individuals affected with FAM38B-Related Disorders and no experimental evidence demonstrating its impact on protein function have been reported. No submitters have cited clinical-significance assessments for this variant to ClinVar after 2014. Based on the evidence outlined above, the variant was classified as uncertain significance.